The following is an entry in ClinVar:

NM_006904.7(PRKDC):c.7370C>T (p.Pro2457Leu)

Gene: PRKDC (protein kinase, DNA-activated, catalytic subunit; minus strand). Cytogenetic location: 8q11.21.
Variant type: single nucleotide variant.
Coding change: c.7370C>T on transcript NM_006904.7 (MANE Select); coding-DNA position 7370, C replaced by T.
Protein change: p.Pro2457Leu; replaces proline 2457 with leucine.
Molecular consequence: missense variant.
Genome position (GRCh38, 1-based): chr8:47,840,100, G>A on the plus strand (C>T on the coding strand, the complement: PRKDC is on the minus strand). VCF-style: chr8-47840100-G-A. GRCh37 (hg19) VCF-style: chr8-48752661-G-A.
Other names: c.7370C>T, p.Pro2457Leu (NM_001081640.2); short protein forms P2457L.
Identifiers: ClinVar variation 1758567 (VCV001758567.2), dbSNP rs2088108208, ClinGen allele CA371155225.
Genomic context (GRCh38, chr8:47,840,100, plus strand): 5'-AGAATATTATACATTTGTTCCCTACATGTTGTAGAAGGATGGGAAACGAATTCCACAACG[G>A]GGTTCAGAAGTTCTCGGAGTTCTACTGGTTTTAACTTTGGCATCATCTTATAAATTATGT-3'
Protein context (NP_008835.5, residues 2447-2467): KPVELRELLN[Pro2457Leu]VVEFVSHPST

ClinVar aggregate classification (germline): Uncertain significance (1 of 4 stars; one submission).

Submission:

Ambry Genetics
Classification: Uncertain significance. Last evaluated: 2021-10-06. Review status: criteria provided, single submitter. Criteria: Ambry Variant Classification Scheme 2023. Collection method: clinical testing. Allele origin: germline.
Comment: The p.P2457L variant (also known as c.7370C>T), located in coding exon 55 of the PRKDC gene, results from a C to T substitution at nucleotide position 7370. The proline at codon 2457 is replaced by leucine, an amino acid with similar properties. This amino acid position is conserved. Since supporting evidence is limited at this time, the clinical significance of this alteration remains unclear.